The following is an entry in ClinVar:

ClinVar aggregate classification (germline): Likely pathogenic (1 of 4 stars; one submission).

Conditions:
Hereditary spastic paraplegia 7 (SPG7). Also called: Autosomal recessive spastic paraplegia type 7; SPASTIC PARAPLEGIA 7, AUTOSOMAL RECESSIVE, WITH OR WITHOUT CEREBELLAR ATAXIA; Spastic paraplegia 7; Hereditary spastic paraplegia Paraplegin type; SPG7-related neurologic disorder. Identifiers: Orphanet 99013, MedGen C1846564, MONDO:0011803, OMIM 607259.

Submission:

PROSPAX: an integrated multimodal progression  chart in spastic ataxias, Center for Neurology; Hertie-Institute for Clinical Brain Research
Classification: Likely pathogenic for Hereditary spastic paraplegia 7. Last evaluated: 2022-01-01. Review status: criteria provided, single submitter. Criteria: ACMG Guidelines, 2015. Collection method: research. Allele origin: germline. Affected: yes.
Comment: Variant seen in compound het: [c.1519C>T;c.1676del]

NM_003119.4(SPG7):c.1676del (p.Lys559fs)

Gene: SPG7 (SPG7 matrix AAA peptidase subunit, paraplegin; plus strand). Cytogenetic location: 16q24.3.
Variant type: Deletion.
Coding change: c.1676del on transcript NM_003119.4 (MANE Select); coding-DNA position 1676, one base deleted (A; older notation c.1676delA).
Protein change: p.Lys559fs; shifts the reading frame from lysine 559.
Molecular consequence: frameshift variant.
Genome position (GRCh38, 1-based): chr16:89,550,506, A deleted; the last of 5 consecutive A bases (chr16:89,550,502-89,550,506); deleting any one gives the same sequence. VCF-style (leftmost placement, unchanged base first): chr16-89550501-CA-C. GRCh37 (hg19) VCF-style: chr16-89616909-CA-C.
Other names: c.1676del, p.Lys559fs (NM_001363850.1); short protein forms K559fs.
Identifiers: ClinVar variation 3242477 (VCV003242477.1).